The following is an entry in ClinVar:

ClinVar aggregate classification (germline): Conflicting classifications of pathogenicity. Review status: criteria provided, conflicting classifications (1 of 4 stars). 2 submissions from 2 submitters: Uncertain significance (1); Likely benign (1). Last evaluated 2026-01-19.

Conditions:
Cardiovascular phenotype. Identifiers: MedGen CN230736.
Dilated cardiomyopathy 1DD (CMD1DD). Identifiers: Orphanet 154, MedGen C2750995, MONDO:0013168, OMIM 613172.

Allele frequency attached by ClinVar (database versions not stated): gnomAD exomes below 0.00001.
gnomAD v4.1: 1 of 1,551,706 alleles (0.000064%); highest among the groups gnomAD compares: Admixed American, 0.002%; no homozygotes.

Submissions (2):

Labcorp Genetics (formerly Invitae), Labcorp
Classification: Likely benign for Dilated cardiomyopathy 1DD. Last evaluated: 2026-01-19. Review status: criteria provided, single submitter. Criteria: Invitae Variant Classification Sherloc (09022015). Collection method: clinical testing. Allele origin: germline.

Ambry Genetics
Classification: Uncertain significance for Cardiovascular phenotype. Last evaluated: 2025-08-12. Review status: criteria provided, single submitter. Criteria: Ambry Variant Classification Scheme 2023. Collection method: clinical testing. Allele origin: germline.
Comment: The p.S793N variant (also known as c.2378G>A), located in coding exon 9 of the RBM20 gene, results from a G to A substitution at nucleotide position 2378. The serine at codon 793 is replaced by asparagine, an amino acid with highly similar properties. This amino acid position is conserved. In addition, this alteration is predicted to be tolerated by in silico analysis. Based on the available evidence, the clinical significance of this variant remains unclear.

NM_001134363.3(RBM20):c.2378G>A (p.Ser793Asn)

Gene: RBM20 (RNA binding motif protein 20; plus strand). Cytogenetic location: 10q25.2.
Variant type: single nucleotide variant.
Coding change: c.2378G>A on transcript NM_001134363.3 (MANE Select); coding-DNA position 2378, G replaced by A.
Protein change: p.Ser793Asn; replaces serine 793 with asparagine.
Molecular consequence: missense variant.
Genome position (GRCh38, 1-based): chr10:110,812,775, G>A. VCF-style: chr10-110812775-G-A. GRCh37 (hg19) VCF-style: chr10-112572533-G-A.
Other names: short protein forms S793N.
Identifiers: ClinVar variation 2169360 (VCV002169360.5), dbSNP rs1187395677, ClinGen allele CA378373627.
Genomic context (GRCh38, chr10:110,812,775, plus strand): 5'-AGCAGCAGCAGGATGCCCCCGGGAGGTCCAGGAGGAAAGACGAGGCCAGGCTGCGGGAAA[G>A]CAGACACCCCCATCCGGATGACTCAGGCAAGGAAGATGGGCTGGGGCCAAAGGTCACTAG-3'
Protein context (NP_001127835.2, residues 783-803): RRKDEARLRE[Ser793Asn]RHPHPDDSGK